The following is an entry in ClinVar:

NM_001377265.1(MAPT):c.1156G>A (p.Val386Met)

Gene: MAPT (microtubule associated protein tau). Cytogenetic location: 17q21.31.
Variant type: single nucleotide variant.
Coding change: c.1156G>A on transcript NM_001377265.1 (MANE Select); coding-DNA position 1156, G replaced by A.
Protein change: p.Val386Met; replaces valine 386 with methionine.
Molecular consequence: missense variant. On other transcripts: intron variant (8).
Genome position (GRCh38, 1-based): chr17:45,983,735, G>A. VCF-style: chr17-45983735-G-A. GRCh37 (hg19) VCF-style: chr17-44061101-G-A.
Other names: c.931G>A, p.Val311Met (NM_001123066.4, NM_016835.5); c.1156G>A, p.Val386Met (NM_001377266.1); c.200-3305G>A (NM_001377268.1, NM_016834.5, NM_016841.5); c.374-3305G>A (NM_005910.6, NM_001203252.2); c.287-3305G>A (NM_001123067.4, NM_001203251.2, NM_001377267.1); short protein forms V311M, V386M.
Identifiers: ClinVar variation 788154 (VCV000788154.6), dbSNP rs747178896, ClinGen allele CA8617793.

ClinVar aggregate classification (germline): Conflicting classifications of pathogenicity. Review status: criteria provided, conflicting classifications (1 of 4 stars). 2 submissions from 2 submitters: Uncertain significance (1); Likely benign (1). Last evaluated 2020-01-03.

Allele frequency attached by ClinVar (database versions not stated): gnomAD below 0.00001 and 0.00001; TOPMed 0.00001; ExAC 0.00003.
gnomAD v4.1: 21 of 1,614,060 alleles (0.0013%); highest among the groups gnomAD compares: South Asian, 0.015%; no homozygotes.

Submissions (2):

GeneDx
Classification: Uncertain significance. Last evaluated: 2020-01-03. Review status: criteria provided, single submitter. Criteria: GeneDx Variant Classification Process June 2021. Collection method: clinical testing. Allele origin: germline. Affected: yes.
Comment: In silico analysis, which includes splice predictors and evolutionary conservation, supports that this variant does not alter protein structure/function; Has not been previously published as pathogenic or benign to our knowledge

Labcorp Genetics (formerly Invitae), Labcorp
Classification: Likely benign. Last evaluated: 2017-06-27. Review status: criteria provided, single submitter. Criteria: Invitae Variant Classification Sherloc (09022015). Collection method: clinical testing. Allele origin: germline.